The following is an entry in ClinVar:

NM_001244008.2(KIF1A):c.4097A>T (p.Tyr1366Phe)

Gene: KIF1A (kinesin family member 1A; minus strand). Cytogenetic location: 2q37.3.
Variant type: single nucleotide variant.
Coding change: c.4097A>T on transcript NM_001244008.2 (MANE Select); coding-DNA position 4097, A replaced by T.
Protein change: p.Tyr1366Phe; replaces tyrosine 1366 with phenylalanine.
Molecular consequence: missense variant.
Genome position (GRCh38, 1-based): chr2:240,726,851, T>A on the plus strand (A>T on the coding strand, the complement: KIF1A is on the minus strand). VCF-style: chr2-240726851-T-A. GRCh37 (hg19) VCF-style: chr2-241666268-T-A.
Other names: c.3821A>T, p.Tyr1274Phe (NM_001320705.2, NM_001379649.1); c.3848A>T, p.Tyr1283Phe (NM_001330289.2); c.3896A>T, p.Tyr1299Phe (NM_001330290.2, NM_001379648.1); c.4172A>T, p.Tyr1391Phe (NM_001379631.1); c.4073A>T, p.Tyr1358Phe (NM_001379632.1); c.4070A>T, p.Tyr1357Phe (NM_001379633.1, NM_001379645.1); c.3923A>T, p.Tyr1308Phe (NM_001379634.1); c.3920A>T, p.Tyr1307Phe (NM_001379635.1, NM_001379646.1); and 7 more; short protein forms Y1299F, Y1307F, Y1308F, Y1358F, Y1391F, Y1264F, Y1273F, Y1274F.
Identifiers: ClinVar variation 946660 (VCV000946660.10), dbSNP rs2046067517, ClinGen allele CA351308969.
Genomic context (GRCh38, chr2:240,726,851, plus strand): 5'-GGTTTTGGTGGAGTGCCCTGGCATAGGTGCCTTGCCTCGATATAAGCGGAGAGTGTCATG[T>A]AGATTTTCTCTCGATAAGGGGTGACCCGGTTCAGCAGGAGAGAGTTGTGCATGGAGCTGT-3'
Protein context (NP_001230937.1, residues 1356-1376): NRVTPYREKI[Tyr1366Phe]MTLSAYIEME

ClinVar aggregate classification (germline): Uncertain significance (1 of 4 stars; one submission).

Conditions:
Neuropathy, hereditary sensory, type 2C. Also called: KIF1A-Related HSAN2 (HSAN2C); Hereditary sensory and autonomic neuropathy type IIC. Identifiers: Orphanet 970, MedGen C3280168, MONDO:0013634, OMIM 614213.
Intellectual disability, autosomal dominant 9 (NESCAVS). Also called: NESCAV SYNDROME; KIF1A-Related Neurodevelopmental Disorder. Identifiers: Orphanet 662367, MedGen C5393830, MONDO:0013656, OMIM 614255.
Hereditary spastic paraplegia 30. Identifiers: Orphanet 101010, MedGen C5235139, MONDO:0012476.

Submission:

Labcorp Genetics (formerly Invitae), Labcorp
Classification: Uncertain significance for Hereditary spastic paraplegia 30; Neuropathy, hereditary sensory, type 2C; Intellectual disability, autosomal dominant 9. Last evaluated: 2019-03-29. Review status: criteria provided, single submitter. Criteria: Invitae Variant Classification Sherloc (09022015). Collection method: clinical testing. Allele origin: germline.
Comment: In summary, the available evidence is currently insufficient to determine the role of this variant in disease. Therefore, it has been classified as a Variant of Uncertain Significance. Algorithms developed to predict the effect of missense changes on protein structure and function (SIFT, PolyPhen-2, Align-GVGD) all suggest that this variant is likely to be tolerated, but these predictions have not been confirmed by published functional studies and their clinical significance is uncertain. This variant has not been reported in the literature in individuals with KIF1A-related conditions. This variant is not present in population databases (ExAC no frequency). This sequence change replaces tyrosine with phenylalanine at codon 1265 of the KIF1A protein (p.Tyr1265Phe). The tyrosine residue is highly conserved and there is a small physicochemical difference between tyrosine and phenylalanine.